The following is an entry in ClinVar:

NM_000090.4(COL3A1):c.13G>A (p.Val5Met)

Gene: COL3A1 (collagen type III alpha 1 chain; plus strand). Cytogenetic location: 2q32.2.
Variant type: single nucleotide variant.
Coding change: c.13G>A on transcript NM_000090.4 (MANE Select); coding-DNA position 13, G replaced by A.
Protein change: p.Val5Met; replaces valine 5 with methionine.
Molecular consequence: missense variant.
Genome position (GRCh38, 1-based): chr2:188,974,502, G>A. VCF-style: chr2-188974502-G-A. GRCh37 (hg19) VCF-style: chr2-189839228-G-A.
Other names: short protein forms V5M.
Identifiers: ClinVar variation 439514 (VCV000439514.31), dbSNP rs1461198652, ClinGen allele CA349845362.

ClinVar aggregate classification (germline): Uncertain significance. Review status: criteria provided, multiple submitters, no conflicts (2 of 4 stars). 8 submissions from 8 submitters: Uncertain significance (8). Last evaluated 2026-07-06.

Conditions:
Familial thoracic aortic aneurysm and aortic dissection (TAAD). Also called: Thoracic aortic aneurysms and dissections. Identifiers: Orphanet 91387, MedGen C4707243, MONDO:0019625.
Ehlers-Danlos syndrome, type 4 (EDSVASC). Also called: Ehlers-Danlos syndrome vascular type; Ehlers Danlos syndrome, ecchymotic type; Ehlers Danlos syndrome, arterial type; Ehlers Danlos syndrome, Sack-Barabas type; Ehlers-Danlos Syndrome Type IV. Identifiers: Orphanet 286, MedGen C0268338, MONDO:0017314, OMIM 130050.

Allele frequency attached by ClinVar (database versions not stated): TOPMed below 0.00001; gnomAD 0.00001.
gnomAD v4.1: 7 of 1,613,826 alleles (0.00043%); highest among the groups gnomAD compares: Non-Finnish European, 0.00059%; no homozygotes.

Submissions (8):

Ambry Genetics
Classification: Uncertain significance for Familial thoracic aortic aneurysm and aortic dissection. Last evaluated: 2026-07-06. Review status: criteria provided, single submitter. Criteria: Ambry Variant Classification Scheme 2023. Collection method: clinical testing. Allele origin: germline.
Comment: The p.V5M variant (also known as c.13G>A), located in coding exon 1 of the COL3A1 gene, results from a G to A substitution at nucleotide position 13. The valine at codon 5 is replaced by methionine, an amino acid with highly similar properties. This amino acid position is conserved. In addition, the in silico prediction for this alteration is inconclusive. Based on the available evidence, the clinical significance of this variant remains unclear.

Labcorp Genetics (formerly Invitae), Labcorp
Classification: Uncertain significance for Ehlers-Danlos syndrome, type 4. Last evaluated: 2025-05-14. Review status: criteria provided, single submitter. Criteria: Invitae Variant Classification Sherloc (09022015). Collection method: clinical testing. Allele origin: germline.
Comment: This sequence change replaces valine, which is neutral and non-polar, with methionine, which is neutral and non-polar, at codon 5 of the COL3A1 protein (p.Val5Met). This variant is present in population databases (no rsID available, gnomAD 0.007%). This variant has not been reported in the literature in individuals affected with COL3A1-related conditions. ClinVar contains an entry for this variant (Variation ID: 439514). Invitae Evidence Modeling of protein sequence and biophysical properties (such as structural, functional, and spatial information, amino acid conservation, physicochemical variation, residue mobility, and thermodynamic stability) indicates that this missense variant is not expected to disrupt COL3A1 protein function with a negative predictive value of 95%. In summary, the available evidence is currently insufficient to determine the role of this variant in disease. Therefore, it has been classified as a Variant of Uncertain Significance.

Color Diagnostics, LLC DBA Color Health
Classification: Uncertain significance for Familial thoracic aortic aneurysm and aortic dissection. Last evaluated: 2024-03-06. Review status: criteria provided, single submitter. Criteria: ACMG Guidelines, 2015. Collection method: clinical testing. Allele origin: germline.
Comment: This missense variant replaces valine with methionine at codon 5 of the COL3A1 protein. Computational prediction is inconclusive regarding the impact of this variant on protein structure and function (internally defined REVEL score threshold 0.5 < inconclusive < 0.7, PMID: 27666373). To our knowledge, functional studies have not been reported for this variant. This variant has not been reported in individuals affected with COL3A1-related disorders in the literature. This variant has been identified in 1/31394 chromosomes in the general population by the Genome Aggregation Database (gnomAD). The available evidence is insufficient to determine the role of this variant in disease conclusively. Therefore, this variant is classified as a Variant of Uncertain Significance.

All of Us Research Program, National Institutes of Health
Classification: Uncertain significance for Ehlers-Danlos syndrome, type 4. Last evaluated: 2023-12-13. Review status: criteria provided, single submitter. Criteria: ACMG Guidelines, 2015. Collection method: clinical testing. Allele origin: germline. Inheritance: Autosomal dominant inheritance. Observed: 3 variant alleles, 3 heterozygotes.
Comment: This missense variant replaces valine with methionine at codon 5 of the COL3A1 protein. Computational prediction is inconclusive regarding the impact of this variant on protein structure and function (internally defined REVEL score threshold 0.5 < inconclusive < 0.7, PMID: 27666373). Splice site prediction tools suggest that this variant may not impact RNA splicing. To our knowledge, functional studies have not been performed for this variant. This variant has not been reported in individuals affected with cardiovascular disorders in the literature. This variant has been identified in 1/31394 chromosomes in the general population by the Genome Aggregation Database (gnomAD). The available evidence is insufficient to determine the role of this variant in disease conclusively. Therefore, this variant is classified as a Variant of Uncertain Significance.

This study involves interpretation of variants in research participants for the purpose of population health screening. Participant phenotype was not available at the time of variant classification. Additional details can be found in publication PMID: 35346344, PMCID: PMC8962531

GeneDx
Classification: Uncertain significance. Last evaluated: 2023-02-16. Review status: criteria provided, single submitter. Criteria: GeneDx Variant Classification Process June 2021. Collection method: clinical testing. Allele origin: germline. Affected: yes.
Comment: Has not been previously published as pathogenic or benign to our knowledge; Not observed at significant frequency in large population cohorts (gnomAD); In silico analysis supports that this missense variant does not alter protein structure/function; Not located in the triple helical region, where the majority of pathogenic missense variants occur (HGMD)

Blueprint Genetics
Classification: Uncertain significance. Last evaluated: 2019-08-02. Review status: criteria provided, single submitter. Criteria: ACMG Guidelines, 2015. Collection method: clinical testing. Allele origin: germline.

CHEO Genetics Diagnostic Laboratory, Children's Hospital of Eastern Ontario
Classification: Uncertain significance for Familial thoracic aortic aneurysm and aortic dissection. Last evaluated: 2019-04-03. Review status: criteria provided, single submitter. Criteria: ACMG Guidelines, 2015. Collection method: clinical testing. Allele origin: germline.

ARUP Laboratories, Molecular Genetics and Genomics, ARUP Laboratories
Classification: Uncertain significance. Last evaluated: 2016-10-19. Review status: criteria provided, single submitter. Criteria: ARUP Molecular Germline Variant Investigation Process. Collection method: clinical testing. Allele origin: germline.